The following is an entry in ClinVar:

ClinVar aggregate classification (germline): Likely benign. Review status: criteria provided, multiple submitters, no conflicts (2 of 4 stars). 3 submissions from 3 submitters: Likely benign (3). Last evaluated 2026-03-30.

Conditions:
NPHP4-related disorder. Also called: NPHP4-related disorders; NPHP4-related condition. Identifiers: MedGen CN239384.
Nephronophthisis. Also called: Juvenile Nephronophthisis. Identifiers: Orphanet 655, MedGen C0687120, MONDO:0019005, HP:0000090.

Allele frequency attached by ClinVar (database versions not stated): gnomAD 0.00004 and 0.00005; ExAC 0.00007; TOPMed 0.00002; gnomAD exomes 0.00003; 1000 Genomes Project 30x 0.00016; 1000 Genomes Project 0.00020.
gnomAD v4.1: 20 of 1,591,340 alleles (0.0013%); highest among the groups gnomAD compares: East Asian, 0.014%; no homozygotes.

Submissions (3):

PreventionGenetics, part of Exact Sciences
Classification: Likely benign for NPHP4-related condition. Last evaluated: 2026-03-30. Review status: criteria provided, single submitter. Criteria: ACMG Guidelines, 2015. Collection method: clinical testing. Allele origin: germline.
Comment: This variant is classified as likely benign based on ACMG/AMP sequence variant interpretation guidelines (Richards et al. 2015 PMID: 25741868, with internal and published modifications).

Labcorp Genetics (formerly Invitae), Labcorp
Classification: Likely benign for Nephronophthisis. Last evaluated: 2025-08-06. Review status: criteria provided, single submitter. Criteria: Invitae Variant Classification Sherloc (09022015). Collection method: clinical testing. Allele origin: germline.

Blueprint Genetics
Classification: Likely benign. Last evaluated: 2024-04-18. Review status: criteria provided, single submitter. Criteria: ACMG Guidelines, 2015. Collection method: clinical testing. Allele origin: germline.

NM_015102.5(NPHP4):c.2619C>T (p.His873=)

Gene: NPHP4 (nephrocystin 4; minus strand). Cytogenetic location: 1p36.31.
Variant type: single nucleotide variant.
Coding change: c.2619C>T on transcript NM_015102.5 (MANE Select); coding-DNA position 2619, C replaced by T.
Protein change: p.His873=; no amino-acid change (histidine 873 retained).
Molecular consequence: synonymous variant. On other transcripts: non-coding transcript variant (1).
Genome position (GRCh38, 1-based): chr1:5,877,291, G>A on the plus strand (C>T on the coding strand, the complement: NPHP4 is on the minus strand). VCF-style: chr1-5877291-G-A. GRCh37 (hg19) VCF-style: chr1-5937351-G-A.
Other names: c.1080C>T, p.His360= (NM_001291593.2); c.1083C>T, p.His361= (NM_001291594.2).
Identifiers: ClinVar variation 704328 (VCV000704328.9), dbSNP rs538589311, ClinGen allele CA553983.